The following is an entry in ClinVar:

NM_001042492.3(NF1):c.6393C>G (p.His2131Gln)

Gene: NF1 (neurofibromin 1; plus strand). Cytogenetic location: 17q11.2.
Variant type: single nucleotide variant.
Coding change: c.6393C>G on transcript NM_001042492.3 (MANE Select); coding-DNA position 6393, C replaced by G.
Protein change: p.His2131Gln; replaces histidine 2131 with glutamine.
Molecular consequence: missense variant.
Genome position (GRCh38, 1-based): chr17:31,336,880, C>G. VCF-style: chr17-31336880-C-G. GRCh37 (hg19) VCF-style: chr17-29663898-C-G.
Other names: c.6330C>G, p.His2110Gln (NM_000267.4); short protein forms H2131Q, H2110Q.
Identifiers: ClinVar variation 4119185 (VCV004119185.1).

ClinVar aggregate classification (germline): Uncertain significance (1 of 4 stars; one submission).

Conditions:
Cardiovascular phenotype. Identifiers: MedGen CN230736.
Hereditary cancer-predisposing syndrome. Also called: Hereditary neoplastic syndrome; Neoplastic Syndromes, Hereditary; Tumor predisposition; Hereditary Cancer Syndrome. Identifiers: Orphanet 140162, MedGen C0027672, MeSH D009386, MONDO:0015356.

Submission:

Ambry Genetics
Classification: Uncertain significance for Cardiovascular phenotype; Hereditary cancer-predisposing syndrome. Last evaluated: 2025-09-06. Review status: criteria provided, single submitter. Criteria: Ambry Variant Classification Scheme 2023. Collection method: clinical testing. Allele origin: germline.
Comment: The p.H2110Q variant (also known as c.6330C>G), located in coding exon 41 of the NF1 gene, results from a C to G substitution at nucleotide position 6330. The histidine at codon 2110 is replaced by glutamine, an amino acid with highly similar properties. This amino acid position is conserved. In addition, this alteration is predicted to be deleterious by in silico analysis. Based on the available evidence, the clinical significance of this variant remains unclear.